The following is an entry in ClinVar:

NM_031892.3(SH3KBP1):c.1774G>A (p.Gly592Ser)

Gene: SH3KBP1 (SH3 domain containing kinase binding protein 1; minus strand). Cytogenetic location: Xp22.12.
Variant type: single nucleotide variant.
Coding change: c.1774G>A on transcript NM_031892.3 (MANE Select); coding-DNA position 1774, G replaced by A.
Protein change: p.Gly592Ser; replaces glycine 592 with serine.
Molecular consequence: missense variant.
Genome position (GRCh38, 1-based): chrX:19,542,043, C>T on the plus strand (G>A on the coding strand, the complement: SH3KBP1 is on the minus strand). VCF-style: chrX-19542043-C-T. GRCh37 (hg19) VCF-style: chrX-19560161-C-T.
Other names: c.1663G>A, p.Gly555Ser (NM_001024666.3); c.1060G>A, p.Gly354Ser (NM_001184960.2); c.1645G>A, p.Gly549Ser (NM_001353890.2); c.1849G>A, p.Gly617Ser (NM_001353891.2); c.1720G>A, p.Gly574Ser (NM_001353892.2); c.1672G>A, p.Gly558Ser (NM_001353893.2); c.1543G>A, p.Gly515Ser (NM_001353894.2); c.1600G>A, p.Gly534Ser (NM_001353895.2); and 1 more; short protein forms G311S, G354S, G515S, G534S, G549S, G555S, G558S, G574S.
Identifiers: ClinVar variation 1101723 (VCV001101723.32), dbSNP rs138453824, ClinGen allele CA10364449.
Genomic context (GRCh38, chrX:19,542,043, plus strand): 5'-GCTCCTCCACGGCCGCCTGGCTGCTGGCCGCAGGCTCCATCTTTGGTTTTCCTTCCGTGC[C>T]GAACAGAGACGGGGAGTTGGCTCTGTGTCCAGCTGTTCCCAAAGAGGATGACAGGGGGGA-3'
Protein context (NP_114098.1, residues 582-602): GHRANSPSLF[Gly592Ser]TEGKPKMEPA

ClinVar aggregate classification (germline): Likely benign. Review status: criteria provided, multiple submitters, no conflicts (2 of 4 stars). 2 submissions from 2 submitters: Likely benign (2). Last evaluated 2025-12-21.

Allele frequency attached by ClinVar (database versions not stated): ESP Exome Variant Server 0.00009; TOPMed 0.00013; gnomAD 0.00014 and 0.00015; gnomAD exomes 0.00020 and 0.00031; ExAC 0.00029.
gnomAD v4.1: 234 of 1,210,270 alleles (0.019%); highest among the groups gnomAD compares: South Asian, 0.16%; 1 homozygote.

Submissions (2):

Labcorp Genetics (formerly Invitae), Labcorp
Classification: Likely benign. Last evaluated: 2025-12-21. Review status: criteria provided, single submitter. Criteria: Invitae Variant Classification Sherloc (09022015). Collection method: clinical testing. Allele origin: germline.

CeGaT Center for Human Genetics Tuebingen
Classification: Likely benign. Last evaluated: 2022-10-01. Review status: criteria provided, single submitter. Criteria: CeGaT Center For Human Genetics Tuebingen Variant Classification Criteria Version 2. Collection method: clinical testing. Allele origin: germline. Affected: yes. Observed: 1 variant allele.
Comment: SH3KBP1: BP4, BS2